The following is an entry in ClinVar:

NM_004415.4(DSP):c.7207G>C (p.Glu2403Gln)

Gene: DSP (desmoplakin; plus strand). Cytogenetic location: 6p24.3.
Variant type: single nucleotide variant.
Coding change: c.7207G>C on transcript NM_004415.4 (MANE Select); coding-DNA position 7207, G replaced by C.
Protein change: p.Glu2403Gln; replaces glutamic acid 2403 with glutamine.
Molecular consequence: missense variant.
Genome position (GRCh38, 1-based): chr6:7,584,469, G>C. VCF-style: chr6-7584469-G-C. GRCh37 (hg19) VCF-style: chr6-7584702-G-C.
Other names: c.5410G>C, p.Glu1804Gln (NM_001008844.3); c.5878G>C, p.Glu1960Gln (NM_001319034.2); short protein forms E1804Q, E1960Q, E2403Q.
Identifiers: ClinVar variation 4870134 (VCV004870134.1).

ClinVar aggregate classification (germline): Uncertain significance (1 of 4 stars; one submission).

Conditions:
Cardiovascular phenotype. Identifiers: MedGen CN230736.

gnomAD v4.1: 1 of 1,614,218 alleles (0.000062%); highest among the groups gnomAD compares: Non-Finnish European, 0.000085%; no homozygotes.

Submission:

Ambry Genetics
Classification: Uncertain significance for Cardiovascular phenotype. Last evaluated: 2026-05-17. Review status: criteria provided, single submitter. Criteria: Ambry Variant Classification Scheme 2023. Collection method: clinical testing. Allele origin: germline.
Comment: The p.E2403Q variant (also known as c.7207G>C), located in coding exon 24 of the DSP gene, results from a G to C substitution at nucleotide position 7207. The glutamic acid at codon 2403 is replaced by glutamine, an amino acid with highly similar properties. This amino acid position is conserved. In addition, this alteration is predicted to be tolerated by in silico analysis. Based on the available evidence, the clinical significance of this variant remains unclear.